The following is an entry in ClinVar:

NM_000051.4(ATM):c.4741A>G (p.Ile1581Val)

Gene: ATM (ATM serine/threonine kinase; plus strand). Cytogenetic location: 11q22.3.
Variant type: single nucleotide variant.
Coding change: c.4741A>G on transcript NM_000051.4 (MANE Select); coding-DNA position 4741, A replaced by G.
Protein change: p.Ile1581Val; replaces isoleucine 1581 with valine.
Molecular consequence: missense variant.
Genome position (GRCh38, 1-based): chr11:108,293,442, A>G. VCF-style: chr11-108293442-A-G. GRCh37 (hg19) VCF-style: chr11-108164169-A-G.
Other names: c.4741A>G, p.Ile1581Val (NM_001351834.2); short protein forms I1581V.
Identifiers: ClinVar variation 580313 (VCV000580313.10), dbSNP rs1565463271, ClinGen allele CA382535068.

ClinVar aggregate classification (germline): Uncertain significance. Review status: criteria provided, multiple submitters, no conflicts (2 of 4 stars). 4 submissions from 4 submitters: Uncertain significance (4). Last evaluated 2024-09-19.

Conditions:
Ataxia-telangiectasia syndrome (AT). Also called: Cerebello-oculocutaneous telangiectasia; Immunodeficiency with ataxia telangiectasia; Ataxia telangiectasia (A-T); Ataxia-telangiectasia, complementation group E; LOUIS-BAR SYNDROME; Ataxia-telangiectasia. Identifiers: Orphanet 100, MedGen C0004135, MONDO:0008840, OMIM 208900.
Familial cancer of breast. Also called: hereditary breast carcinoma; BREAST CANCER, FAMILIAL; Hereditary breast cancer. Identifiers: Orphanet 227535, MedGen C0346153, MONDO:0016419, OMIM 114480. Disease mechanism: loss of function.
Hereditary cancer-predisposing syndrome. Also called: Hereditary neoplastic syndrome; Tumor predisposition; Hereditary Cancer Syndrome; Neoplastic Syndromes, Hereditary. Identifiers: Orphanet 140162, MedGen C0027672, MeSH D009386, MONDO:0015356.

Submissions (4):

Molecular Diagnostics Laboratory, Catalan Institute of Oncology
Classification: Uncertain significance for Hereditary cancer-predisposing syndrome. Last evaluated: 2024-09-19. Review status: criteria provided, single submitter. Criteria: ClinGen ACMG Specifications ATM V1.1.0. Collection method: clinical testing. Allele origin: germline.
Comment: PM2_supporting, BP4 c.4741A>G, located in exon 31 of the ATM gene, is predicted to result in the substitution of isoleucine by valine at codon 1581, p.(Ile1581Val). It is not present in the population database gnomAD v2.1.1, non-cancer dataset (PM2_supporting). The SpliceAI algorithm predicts no significant impact on splicing. The REVEL meta-predictor score for this variant (0.118) suggests that it does not affect the protein function (BP4). To our knowledge, neither relevant clinical data nor well-established functional studies have been reported for this variant. This variant has been reported in the ClinVar database (3x uncertain significance), but it has not been reported in LOVD. Based on currently available information, the variant c.4741A>G should be considered an uncertain significance variant.

Baylor Genetics
Classification: Uncertain significance for Familial cancer of breast. Last evaluated: 2024-01-23. Review status: criteria provided, single submitter. Criteria: ACMG Guidelines, 2015. Collection method: clinical testing. Allele origin: unknown.

Ambry Genetics
Classification: Uncertain significance for Hereditary cancer-predisposing syndrome. Last evaluated: 2024-01-06. Review status: criteria provided, single submitter. Criteria: Ambry Variant Classification Scheme 2023. Collection method: clinical testing. Allele origin: germline.
Comment: The p.I1581V variant (also known as c.4741A>G), located in coding exon 30 of the ATM gene, results from an A to G substitution at nucleotide position 4741. The isoleucine at codon 1581 is replaced by valine, an amino acid with highly similar properties. This amino acid position is conserved. In addition, this alteration is predicted to be tolerated by in silico analysis. Since supporting evidence is limited at this time, the clinical significance of this alteration remains unclear.

Labcorp Genetics (formerly Invitae), Labcorp
Classification: Uncertain significance for Ataxia-telangiectasia syndrome. Last evaluated: 2021-08-28. Review status: criteria provided, single submitter. Criteria: Invitae Variant Classification Sherloc (09022015). Collection method: clinical testing. Allele origin: germline.
Comment: This sequence change replaces isoleucine with valine at codon 1581 of the ATM protein (p.Ile1581Val). The isoleucine residue is moderately conserved and there is a small physicochemical difference between isoleucine and valine. This variant is not present in population databases (ExAC no frequency). This variant has not been reported in the literature in individuals affected with ATM-related conditions. Algorithms developed to predict the effect of missense changes on protein structure and function (SIFT, PolyPhen-2, Align-GVGD) all suggest that this variant is likely to be tolerated. In summary, the available evidence is currently insufficient to determine the role of this variant in disease. Therefore, it has been classified as a Variant of Uncertain Significance.